The following is an entry in ClinVar:

ClinVar aggregate classification (germline): Benign/Likely benign. Review status: criteria provided, multiple submitters, no conflicts (2 of 4 stars). 11 submissions from 11 submitters: Benign (1); Likely benign (9). 1 of the submissions does not count toward it. Last evaluated 2025-09-14.

Conditions:
ATM-related disorder. Also called: ATM-related disorders; ATM-related condition.
ATM-related cancer predisposition. Also called: ATM-related cancer susceptibility. Identifiers: MedGen CN377759, MONDO:0700270.
Hereditary cancer-predisposing syndrome. Also called: Tumor predisposition; Neoplastic Syndromes, Hereditary; Hereditary Cancer Syndrome; Hereditary neoplastic syndrome. Identifiers: Orphanet 140162, MedGen C0027672, MeSH D009386, MONDO:0015356.
Breast and/or ovarian cancer. Identifiers: MedGen CN221562.
Ataxia-telangiectasia syndrome (AT). Also called: LOUIS-BAR SYNDROME; Ataxia-telangiectasia, complementation group D; Ataxia telangiectasia (A-T); AT, COMPLEMENTATION GROUP C; ATAXIA-TELANGIECTASIA, COMPLEMENTATION GROUP A; ATAXIA-TELANGIECTASIA, FRESNO VARIANT. Identifiers: Orphanet 100, MedGen C0004135, MONDO:0008840, OMIM 208900.
Familial cancer of breast. Also called: hereditary breast carcinoma; BREAST CANCER, FAMILIAL; Hereditary breast cancer. Identifiers: Orphanet 227535, MedGen C0346153, MONDO:0016419, OMIM 114480. Disease mechanism: loss of function.

Allele frequency attached by ClinVar (database versions not stated): gnomAD 0.00001; gnomAD exomes 0.00001; TOPMed 0.00002; ESP Exome Variant Server 0.00008; ExAC 0.00001.
gnomAD v4.1: 14 of 1,610,534 alleles (0.00087%); highest among the groups gnomAD compares: Non-Finnish European, 0.0012%; no homozygotes.

Submissions (11):

Labcorp Genetics (formerly Invitae), Labcorp
Classification: Likely benign for Ataxia-telangiectasia syndrome. Last evaluated: 2025-09-14. Review status: criteria provided, single submitter. Criteria: Invitae Variant Classification Sherloc (09022015). Collection method: clinical testing. Allele origin: germline.

CeGaT Center for Human Genetics Tuebingen
Classification: Likely benign. Last evaluated: 2025-05-01. Review status: criteria provided, single submitter. Criteria: CeGaT Center For Human Genetics Tuebingen Variant Classification Criteria Version 2. Collection method: clinical testing. Allele origin: germline. Affected: yes. Observed: 2 variant alleles.
Comment: ATM: BP4, BP7

PreventionGenetics, part of Exact Sciences
Classification: Likely benign for ATM-related condition. Last evaluated: 2024-11-30. Review status: criteria provided, single submitter. Criteria: ACMG Guidelines, 2015. Collection method: clinical testing. Allele origin: germline.
Comment: This variant is classified as likely benign based on ACMG/AMP sequence variant interpretation guidelines (Richards et al. 2015 PMID: 25741868, with internal and published modifications).

Myriad Genetics, Inc.
Classification: Benign for Familial cancer of breast. Last evaluated: 2024-05-14. Review status: criteria provided, single submitter. Criteria: Myriad Autosomal Dominant, Autosomal Recessive and X-Linked Classification Criteria (2023). Collection method: clinical testing. Allele origin: unknown.
Comment: This variant is considered benign. This variant is a silent/synonymous amino acid change and it is not expected to impact splicing.

Women's Health and Genetics/Laboratory Corporation of America, LabCorp
Classification: Likely benign. Last evaluated: 2024-05-13. Review status: criteria provided, single submitter. Criteria: LabCorp Variant Classification Summary - May 2015. Collection method: clinical testing. Allele origin: germline.

CHEO Genetics Diagnostic Laboratory, Children's Hospital of Eastern Ontario
Classification: Likely benign for Breast and/or ovarian cancer. Last evaluated: 2023-03-10. Review status: criteria provided, single submitter. Criteria: ACMG Guidelines, 2015. Collection method: clinical testing. Allele origin: germline.

Department of Pathology and Laboratory Medicine, Sinai Health System
Classification: Likely benign for ATM-related cancer predisposition. Last evaluated: 2021-01-14. Review status: criteria provided, single submitter. Criteria: ACMG Guidelines, 2015. Collection method: clinical testing. Allele origin: germline. Affected: no.

GeneDx
Classification: Likely benign. Last evaluated: 2017-12-04. Review status: criteria provided, single submitter. Criteria: GeneDx Variant Classification (06012015). Collection method: clinical testing. Allele origin: germline. Affected: yes.
Comment: This variant is considered likely benign or benign based on one or more of the following criteria: it is a conservative change, it occurs at a poorly conserved position in the protein, it is predicted to be benign by multiple in silico algorithms, and/or has population frequency not consistent with disease.

Ambry Genetics
Classification: Likely benign for Hereditary cancer-predisposing syndrome. Last evaluated: 2015-09-13. Review status: criteria provided, single submitter. Criteria: Ambry Variant Classification Scheme 2023. Collection method: clinical testing. Allele origin: germline.

Color Diagnostics, LLC DBA Color Health
Classification: Likely benign for Hereditary cancer-predisposing syndrome. Last evaluated: 2015-07-20. Review status: criteria provided, single submitter. Criteria: ACMG Guidelines, 2015. Collection method: clinical testing. Allele origin: germline.

True Health Diagnostics
Classification: Likely benign for Hereditary cancer-predisposing syndrome. Last evaluated: 2018-03-16. Review status: no assertion criteria provided. Collection method: clinical testing. Allele origin: germline. Not counted in ClinVar's aggregate classification.

NM_000051.4(ATM):c.3411T>C (p.Ser1137=)

Gene: ATM (ATM serine/threonine kinase; plus strand). Cytogenetic location: 11q22.3.
Variant type: single nucleotide variant.
Coding change: c.3411T>C on transcript NM_000051.4 (MANE Select); coding-DNA position 3411, T replaced by C.
Protein change: p.Ser1137=; no amino-acid change (serine 1137 retained).
Molecular consequence: synonymous variant.
Genome position (GRCh38, 1-based): chr11:108,281,003, T>C. VCF-style: chr11-108281003-T-C. GRCh37 (hg19) VCF-style: chr11-108151730-T-C.
Other names: c.3411T>C, p.Ser1137= (NM_001351834.2).
Identifiers: ClinVar variation 184330 (VCV000184330.45), dbSNP rs369518512, ClinGen allele CA188627.
Genomic context (GRCh38, chr11:108,281,003, plus strand): 5'-TTGTTAAACATTTACATTTTACATTACATTTTTTTTTTAATTTCTTTTTAAGTCCCATAG[T>C]GCTGAGAACCCTGAAACTTTGGATGAAATTTATAATAGAAAATCTGTTTTACTGACGTTG-3'
Protein context (NP_000042.3, residues 1127-1147): AQEGMREMSH[Ser1137=]AENPETLDEI